The following is an entry in ClinVar:

ClinVar aggregate classification (germline): Uncertain significance (1 of 4 stars; one submission).

Submission:

Labcorp Genetics (formerly Invitae), Labcorp
Classification: Uncertain significance. Last evaluated: 2024-04-10. Review status: criteria provided, single submitter. Criteria: Invitae Variant Classification Sherloc (09022015). Collection method: clinical testing. Allele origin: germline.
Comment: This sequence change replaces lysine, which is basic and polar, with arginine, which is basic and polar, at codon 2086 of the SPTBN2 protein (p.Lys2086Arg). This variant is not present in population databases (gnomAD no frequency). This variant has not been reported in the literature in individuals affected with SPTBN2-related conditions. ClinVar contains an entry for this variant (Variation ID: 1944784). Advanced modeling of protein sequence and biophysical properties (such as structural, functional, and spatial information, amino acid conservation, physicochemical variation, residue mobility, and thermodynamic stability) performed at Invitae indicates that this missense variant is not expected to disrupt SPTBN2 protein function with a negative predictive value of 80%. In summary, the available evidence is currently insufficient to determine the role of this variant in disease. Therefore, it has been classified as a Variant of Uncertain Significance.

NM_006946.4(SPTBN2):c.6257A>G (p.Lys2086Arg)

Gene: SPTBN2 (spectrin beta, non-erythrocytic 2; minus strand). Cytogenetic location: 11q13.2.
Variant type: single nucleotide variant.
Coding change: c.6257A>G on transcript NM_006946.4 (MANE Select); coding-DNA position 6257, A replaced by G.
Protein change: p.Lys2086Arg; replaces lysine 2086 with arginine.
Molecular consequence: missense variant.
Genome position (GRCh38, 1-based): chr11:66,688,286, T>C on the plus strand (A>G on the coding strand, the complement: SPTBN2 is on the minus strand). VCF-style: chr11-66688286-T-C. GRCh37 (hg19) VCF-style: chr11-66455757-T-C.
Other names: c.6278A>G, p.Lys2093Arg (NM_001411025.1); short protein forms K2086R, K2093R.
Identifiers: ClinVar variation 1944784 (VCV001944784.5), dbSNP rs2495792140, ClinGen allele CA381459156.
Genomic context (GRCh38, chr11:66,688,286, plus strand): 5'-CTGGCTGTGGGTTCGGGAGCAGGCGGCTGTTTCCGCCGCTCCTCCTCCTCCCTCTTTCTC[T>C]TTCGCTCCTTCTCCCGCTCCTCTAGCTGTCAAAAAATGCTGCATTCAGCGTGTAGAAGGT-3'
Protein context (NP_008877.2, residues 2076-2096): TALEEREKER[Lys2086Arg]RKREEEERRK